The following is an entry in ClinVar:

ClinVar aggregate classification (germline): Uncertain significance (1 of 4 stars; one submission).

Submission:

GeneDx
Classification: Uncertain significance. Last evaluated: 2019-05-16. Review status: criteria provided, single submitter. Criteria: GeneDx Variant Classification Process June 2021. Collection method: clinical testing. Allele origin: germline. Affected: yes.
Comment: Not observed in large population cohorts (Lek et al., 2016); In silico analysis, which includes splice predictors and evolutionary conservation, supports that this variant does not alter protein structure/function; Has not been previously published as pathogenic or benign to our knowledge

NM_016525.5(UBAP1):c.1083+4dup

Gene: UBAP1 (ubiquitin associated protein 1; plus strand). Cytogenetic location: 9p13.3.
Variant type: Duplication.
Coding change: c.1083+4dup on transcript NM_016525.5 (MANE Select); 4 bases into the intron after coding-DNA position 1083, one base duplicated (A; older notation c.1083+4dupA).
Molecular consequence: intron variant.
Genome position (GRCh38, 1-based): chr9:34,242,112, A duplicated; the last of 2 consecutive A bases (chr9:34,242,111-34,242,112); duplicating either gives the same sequence. VCF-style (leftmost placement, unchanged base first): chr9-34242110-T-TA. GRCh37 (hg19) VCF-style: chr9-34242108-T-TA.
Other names: c.1191+4dup (NM_001171202.1); c.1275+4dup (NM_001171201.1); c.1083+4dup (NM_001171204.3, NM_001171203.3).
Identifiers: ClinVar variation 1302052 (VCV001302052.2), dbSNP rs2131622326, ClinGen allele CA2573053173.